The following is an entry in ClinVar:

NM_139319.3(SLC17A8):c.764-6C>G

Gene: SLC17A8 (solute carrier family 17 member 8; plus strand). Cytogenetic location: 12q23.1.
Variant type: single nucleotide variant.
Coding change: c.764-6C>G on transcript NM_139319.3 (MANE Select); 6 bases into the intron before coding-DNA position 764, C replaced by G.
Molecular consequence: intron variant.
Genome position (GRCh38, 1-based): chr12:100,402,334, C>G. VCF-style: chr12-100402334-C-G. GRCh37 (hg19) VCF-style: chr12-100796112-C-G.
Other names: c.764-6C>G (NM_001145288.2).
Identifiers: ClinVar variation 3371264 (VCV003371264.1).

ClinVar aggregate classification (germline): Uncertain significance (1 of 4 stars; one submission).

gnomAD v4.1: 1 of 1,613,912 alleles (0.000062%); highest among the groups gnomAD compares: East Asian, 0.0022%; no homozygotes.

Submission:

GeneDx
Classification: Uncertain significance. Last evaluated: 2024-03-26. Review status: criteria provided, single submitter. Criteria: GeneDx Variant Classification Process June 2021. Collection method: clinical testing. Allele origin: germline. Affected: yes.
Comment: Not observed at significant frequency in large population cohorts (gnomAD); In silico analysis supports a deleterious effect on splicing; Has not been previously published as pathogenic or benign to our knowledge